The following is an entry in ClinVar:

ClinVar aggregate classification (germline): Uncertain significance. Review status: criteria provided, multiple submitters, no conflicts (2 of 4 stars). 2 submissions from 2 submitters: Uncertain significance (2). Last evaluated 2021-12-03.

Conditions:
Congenital secretory diarrhea, chloride type (DIAR1). Also called: CHLORIDE DIARRHEA, CONGENITAL, FINNISH TYPE; DIARRHEA 1, SECRETORY CHLORIDE, CONGENITAL; CHLORIDORRHEA, CONGENITAL. Identifiers: Orphanet 53689, MedGen C0267662, MONDO:0008964, OMIM 214700.

Allele frequency attached by ClinVar (database versions not stated): TOPMed 0.00002; gnomAD 0.00003; gnomAD exomes 0.00004; ExAC 0.00005.
gnomAD v4.1: 43 of 1,613,472 alleles (0.0027%); highest among the groups gnomAD compares: Middle Eastern, 0.016%; no homozygotes.

Submissions (2):

Labcorp Genetics (formerly Invitae), Labcorp
Classification: Uncertain significance. Last evaluated: 2021-12-03. Review status: criteria provided, single submitter. Criteria: Invitae Variant Classification Sherloc (09022015). Collection method: clinical testing. Allele origin: germline.
Comment: This sequence change replaces arginine, which is basic and polar, with glutamine, which is neutral and polar, at codon 463 of the SLC26A3 protein (p.Arg463Gln). This variant is present in population databases (rs751483686, gnomAD 0.02%). This variant has not been reported in the literature in individuals affected with SLC26A3-related conditions. ClinVar contains an entry for this variant (Variation ID: 908259). Algorithms developed to predict the effect of missense changes on protein structure and function (SIFT, PolyPhen-2, Align-GVGD) all suggest that this variant is likely to be tolerated. In summary, the available evidence is currently insufficient to determine the role of this variant in disease. Therefore, it has been classified as a Variant of Uncertain Significance.

Illumina Laboratory Services, Illumina
Classification: Uncertain significance for Congenital secretory diarrhea, chloride type. Last evaluated: 2017-06-14. Review status: criteria provided, single submitter. Criteria: ICSL Variant Classification Criteria 13 December 2019. Collection method: clinical testing. Allele origin: germline.
Comment: This variant was observed as part of a predisposition screen in an ostensibly healthy population. A literature search was performed for the gene, cDNA change, and amino acid change (where applicable). Publications were found based on this search. However, the evidence from the literature, in combination with allele frequency data from public databases where available, was not sufficient to rule this variant in or out of causing disease. Therefore, this variant is classified as a variant of unknown significance.

Literature cited by the submitters: PubMed 28422190 (cited by Illumina Laboratory Services, Illumina).

NM_000111.3(SLC26A3):c.1388G>A (p.Arg463Gln)

Gene: SLC26A3 (solute carrier family 26 member 3; minus strand). Cytogenetic location: 7q22.3.
Variant type: single nucleotide variant.
Coding change: c.1388G>A on transcript NM_000111.3 (MANE Select); coding-DNA position 1388, G replaced by A.
Protein change: p.Arg463Gln; replaces arginine 463 with glutamine.
Molecular consequence: missense variant.
Genome position (GRCh38, 1-based): chr7:107,779,687, C>T on the plus strand (G>A on the coding strand, the complement: SLC26A3 is on the minus strand). VCF-style: chr7-107779687-C-T. GRCh37 (hg19) VCF-style: chr7-107420132-C-T.
Other names: short protein forms R463Q.
Identifiers: ClinVar variation 908259 (VCV000908259.6), dbSNP rs751483686, ClinGen allele CA4433847.